The following is an entry in ClinVar:

NM_177438.3(DICER1):c.1175G>A (p.Arg392Gln)

Gene: DICER1 (dicer 1, ribonuclease III; minus strand). Cytogenetic location: 14q32.13.
Variant type: single nucleotide variant.
Coding change: c.1175G>A on transcript NM_177438.3 (MANE Select); coding-DNA position 1175, G replaced by A.
Protein change: p.Arg392Gln; replaces arginine 392 with glutamine.
Molecular consequence: missense variant.
Genome position (GRCh38, 1-based): chr14:95,124,397, C>T on the plus strand (G>A on the coding strand, the complement: DICER1 is on the minus strand). VCF-style: chr14-95124397-C-T. GRCh37 (hg19) VCF-style: chr14-95590734-C-T.
Other names: c.1175G>A, p.Arg392Gln (NM_001195573.1, NM_001271282.3, NM_001291628.2 and 1 more transcripts); short protein forms R392Q.
Identifiers: ClinVar variation 571854 (VCV000571854.18), dbSNP rs142635816, ClinGen allele CA7331517.

ClinVar aggregate classification (germline): Uncertain significance. Review status: criteria provided, multiple submitters, no conflicts (2 of 4 stars). 4 submissions from 4 submitters: Uncertain significance (4). Last evaluated 2025-11-01.

Conditions:
Global developmental delay - lung cysts - overgrowth - Wilms tumor syndrome. Also called: GLOBAL DEVELOPMENTAL DELAY, LUNG CYSTS, OVERGROWTH, AND WILMS TUMOR; GLOW Syndrome. Identifiers: Orphanet 404476, MedGen C4748924, MONDO:0018445, OMIM 618272.
DICER1-related tumor predisposition. Also called: DICER1 syndrome; DICER1-related pleuropulmonary blastoma cancer predisposition syndrome. Identifiers: Orphanet 284343, MedGen C3839822, MONDO:0100216.
Hereditary cancer-predisposing syndrome. Also called: Hereditary neoplastic syndrome; Neoplastic Syndromes, Hereditary; Hereditary Cancer Syndrome; Tumor predisposition. Identifiers: Orphanet 140162, MedGen C0027672, MeSH D009386, MONDO:0015356.

Allele frequency attached by ClinVar (database versions not stated): TOPMed below 0.00001; gnomAD exomes 0.00001; ExAC 0.00002; ESP Exome Variant Server 0.00008.
gnomAD v4.1: 13 of 1,614,046 alleles (0.00081%); highest among the groups gnomAD compares: Admixed American, 0.0017%; no homozygotes.

Submissions (4):

Labcorp Genetics (formerly Invitae), Labcorp
Classification: Uncertain significance for DICER1-related tumor predisposition. Last evaluated: 2025-11-01. Review status: criteria provided, single submitter. Criteria: Invitae Variant Classification Sherloc (09022015). Collection method: clinical testing. Allele origin: germline.
Comment: This sequence change replaces arginine, which is basic and polar, with glutamine, which is neutral and polar, at codon 392 of the DICER1 protein (p.Arg392Gln). This variant is present in population databases (rs142635816, gnomAD 0.003%). This variant has not been reported in the literature in individuals affected with DICER1-related conditions. ClinVar contains an entry for this variant (Variation ID: 571854). Invitae Evidence Modeling of protein sequence and biophysical properties (such as structural, functional, and spatial information, amino acid conservation, physicochemical variation, residue mobility, and thermodynamic stability) indicates that this missense variant is not expected to disrupt DICER1 protein function with a negative predictive value of 95%. In summary, the available evidence is currently insufficient to determine the role of this variant in disease. Therefore, it has been classified as a Variant of Uncertain Significance.

Ambry Genetics
Classification: Uncertain significance for Hereditary cancer-predisposing syndrome. Last evaluated: 2024-08-31. Review status: criteria provided, single submitter. Criteria: Ambry Variant Classification Scheme 2023. Collection method: clinical testing. Allele origin: germline.
Comment: The p.R392Q variant (also known as c.1175G>A), located in coding exon 7 of the DICER1 gene, results from a G to A substitution at nucleotide position 1175. The arginine at codon 392 is replaced by glutamine, an amino acid with highly similar properties. This amino acid position is highly conserved in available vertebrate species. In addition, the in silico prediction for this alteration is inconclusive. Since supporting evidence is limited at this time, the clinical significance of this alteration remains unclear.

GeneDx
Classification: Uncertain significance. Last evaluated: 2024-04-30. Review status: criteria provided, single submitter. Criteria: GeneDx Variant Classification Process June 2021. Collection method: clinical testing. Allele origin: germline. Affected: yes.
Comment: Not observed at significant frequency in large population cohorts (gnomAD); In silico analysis indicates that this missense variant does not alter protein structure/function; Has not been previously published as pathogenic or benign to our knowledge

Baylor Genetics
Classification: Uncertain significance for Global developmental delay - lung cysts - overgrowth - Wilms tumor syndrome. Last evaluated: 2024-02-19. Review status: criteria provided, single submitter. Criteria: ACMG Guidelines, 2015. Collection method: clinical testing. Allele origin: unknown.